The following is an entry in ClinVar:

ClinVar aggregate classification (germline): Uncertain significance. Review status: criteria provided, multiple submitters, no conflicts (2 of 4 stars). 3 submissions from 3 submitters: Uncertain significance (3). Last evaluated 2024-04-22.

Conditions:
Autosomal recessive limb-girdle muscular dystrophy type 2Q (LGMDR17). Also called: MUSCULAR DYSTROPHY, LIMB-GIRDLE, AUTOSOMAL RECESSIVE 17. Identifiers: Orphanet 254361, MedGen C3150989, MONDO:0013390, OMIM 613723.
Epidermolysis bullosa simplex 5C, with pyloric atresia (EBS5C). Also called: PLEC-Related Epidermolysis Bullosa with Pyloric Atresia; Epidermolysis bullosa simplex with pyloric atresia; PLEC1-Related Epidermolysis Bullosa with Pyloric Atresia. Identifiers: Orphanet 158684, MedGen C2677349, MONDO:0012807, OMIM 612138.
Epidermolysis bullosa simplex, Ogna type (EBS5A). Also called: Pidermolysis bullosa simplex 5A, Ogna type; EPIDERMOLYSIS BULLOSA SIMPLEX 5A, OGNA TYPE. Identifiers: Orphanet 79401, MedGen C0432317, MONDO:0007555, OMIM 131950.
Epidermolysis bullosa simplex 5B, with muscular dystrophy (EBS5B). Also called: EPIDERMOLYSIS BULLOSA SIMPLEX AND LIMB-GIRDLE MUSCULAR DYSTROPHY; Epidermolysis bullosa simplex with muscular dystrophy. Identifiers: Orphanet 257, MedGen C2931072, MONDO:0009181, OMIM 226670.
Epidermolysis bullosa simplex with nail dystrophy (EBS5D). Identifiers: MedGen C4225309, MONDO:0014661, OMIM 616487.
Inborn genetic diseases. Identifiers: MedGen C0950123, MeSH D030342.

Allele frequency attached by ClinVar (database versions not stated): gnomAD exomes 0.00005 and 0.00011; TOPMed 0.00005; gnomAD 0.00007; ExAC 0.00017.
gnomAD v4.1: 83 of 1,578,496 alleles (0.0053%); highest among the groups gnomAD compares: South Asian, 0.06%; 3 homozygotes.

Submissions (3):

Blueprint Genetics
Classification: Uncertain significance. Last evaluated: 2024-04-22. Review status: criteria provided, single submitter. Criteria: ACMG Guidelines, 2015. Collection method: clinical testing. Allele origin: germline.

Labcorp Genetics (formerly Invitae), Labcorp
Classification: Uncertain significance for Autosomal recessive limb-girdle muscular dystrophy type 2Q; Epidermolysis bullosa simplex, Ogna type; Epidermolysis bullosa simplex with nail dystrophy; Epidermolysis bullosa simplex 5C, with pyloric atresia; Epidermolysis bullosa simplex 5B, with muscular dystrophy. Last evaluated: 2024-02-16. Review status: criteria provided, single submitter. Criteria: Invitae Variant Classification Sherloc (09022015). Collection method: clinical testing. Allele origin: germline.
Comment: This sequence change replaces arginine, which is basic and polar, with glutamine, which is neutral and polar, at codon 1577 of the PLEC protein (p.Arg1577Gln). This variant is present in population databases (rs782555054, gnomAD 0.06%), including at least one homozygous and/or hemizygous individual. This variant has not been reported in the literature in individuals affected with PLEC-related conditions. ClinVar contains an entry for this variant (Variation ID: 471592). Experimental studies and prediction algorithms are not available or were not evaluated, and the functional significance of this variant is currently unknown. In summary, the available evidence is currently insufficient to determine the role of this variant in disease. Therefore, it has been classified as a Variant of Uncertain Significance.

Ambry Genetics
Classification: Uncertain significance for Inborn genetic diseases. Last evaluated: 2022-05-11. Review status: criteria provided, single submitter. Criteria: Ambry Variant Classification Scheme 2023. Collection method: clinical testing. Allele origin: germline.

NM_201384.3(PLEC):c.4649G>A (p.Arg1550Gln)

Gene: PLEC (plectin; minus strand). Cytogenetic location: 8q24.3.
Variant type: single nucleotide variant.
Coding change: c.4649G>A on transcript NM_201384.3 (MANE Select); coding-DNA position 4649, G replaced by A.
Protein change: p.Arg1550Gln; replaces arginine 1550 with glutamine.
Molecular consequence: missense variant.
Genome position (GRCh38, 1-based): chr8:143,925,280, C>T on the plus strand (G>A on the coding strand, the complement: PLEC is on the minus strand). VCF-style: chr8-143925280-C-T. GRCh37 (hg19) VCF-style: chr8-144999448-C-T.
Other names: c.4730G>A, p.Arg1577Gln (NM_000445.5); c.4607G>A, p.Arg1536Gln (NM_201378.4); c.4583G>A, p.Arg1528Gln (NM_201379.3); c.5060G>A, p.Arg1687Gln (NM_201380.4); c.4553G>A, p.Arg1518Gln (NM_201381.3); c.4649G>A, p.Arg1550Gln (NM_201382.4); c.4661G>A, p.Arg1554Gln (NM_201383.3); c.4730G>A (NM_000445.3); short protein forms R1536Q, R1554Q, R1528Q, R1577Q, R1518Q, R1550Q, R1687Q.
Identifiers: ClinVar variation 471592 (VCV000471592.10), dbSNP rs782555054, ClinGen allele CA4926594.